The following is an entry in ClinVar:

NM_000548.5(TSC2):c.338G>A (p.Gly113Asp)

Gene: TSC2 (TSC complex subunit 2; plus strand). Cytogenetic location: 16p13.3.
Variant type: single nucleotide variant.
Coding change: c.338G>A on transcript NM_000548.5 (MANE Select); coding-DNA position 338, G replaced by A.
Protein change: p.Gly113Asp; replaces glycine 113 with aspartic acid.
Molecular consequence: missense variant. On other transcripts: intron variant (1).
Genome position (GRCh38, 1-based): chr16:2,054,297, G>A. VCF-style: chr16-2054297-G-A. GRCh37 (hg19) VCF-style: chr16-2104298-G-A.
Other names: c.191G>A, p.Gly64Asp (NM_001318829.2, NM_001406676.1, NM_001406675.1 and 1 more transcripts); c.371G>A, p.Gly124Asp (NM_001318832.2); c.338G>A, p.Gly113Asp (NM_001363528.2, NM_001370404.1, NM_001370405.1 and 8 more transcripts); c.428G>A, p.Gly143Asp (NM_001406667.1, NM_001406668.1); c.227G>A, p.Gly76Asp (NM_001406670.1, NM_001406678.1, NM_001318827.2); c.281G>A, p.Gly94Asp (NM_001406677.1); c.-479G>A (NM_001406680.1, NM_001406683.1, NM_001406687.1); c.-108G>A (NM_001406681.1); and 6 more; short protein forms G113D, G124D, G143D, G64D, G76D, G94D.
Identifiers: ClinVar variation 1720337 (VCV001720337.8), dbSNP rs2151039913, ClinGen allele CA394306372.

ClinVar aggregate classification (germline): Uncertain significance. Review status: criteria provided, multiple submitters, no conflicts (2 of 4 stars). 2 submissions from 2 submitters: Uncertain significance (2). Last evaluated 2024-02-11.

Conditions:
Tuberous sclerosis 2 (TSC2). Identifiers: Orphanet 805, MedGen C1860707, MONDO:0013199, OMIM 613254.
Hereditary cancer-predisposing syndrome. Also called: Hereditary neoplastic syndrome; Tumor predisposition; Neoplastic Syndromes, Hereditary; Hereditary Cancer Syndrome. Identifiers: Orphanet 140162, MedGen C0027672, MeSH D009386, MONDO:0015356.

Submissions (2):

Labcorp Genetics (formerly Invitae), Labcorp
Classification: Uncertain significance for Tuberous sclerosis 2. Last evaluated: 2024-02-11. Review status: criteria provided, single submitter. Criteria: Invitae Variant Classification Sherloc (09022015). Collection method: clinical testing. Allele origin: germline.
Comment: This sequence change replaces glycine, which is neutral and non-polar, with aspartic acid, which is acidic and polar, at codon 113 of the TSC2 protein (p.Gly113Asp). This variant is not present in population databases (gnomAD no frequency). This variant has not been reported in the literature in individuals affected with TSC2-related conditions. ClinVar contains an entry for this variant (Variation ID: 1720337). An algorithm developed to predict the effect of missense changes on protein structure and function (PolyPhen-2) suggests that this variant is likely to be disruptive. In summary, the available evidence is currently insufficient to determine the role of this variant in disease. Therefore, it has been classified as a Variant of Uncertain Significance.

Ambry Genetics
Classification: Uncertain significance for Hereditary cancer-predisposing syndrome. Last evaluated: 2021-07-02. Review status: criteria provided, single submitter. Criteria: Ambry Variant Classification Scheme 2023. Collection method: clinical testing. Allele origin: germline.
Comment: The p.G113D variant (also known as c.338G>A), located in coding exon 4 of the TSC2 gene, results from a G to A substitution at nucleotide position 338. The glycine at codon 113 is replaced by aspartic acid, an amino acid with similar properties. This amino acid position is highly conserved in available vertebrate species. In addition, this alteration is predicted to be deleterious by in silico analysis. Since supporting evidence is limited at this time, the clinical significance of this alteration remains unclear.